The following is an entry in ClinVar:

NM_007294.4(BRCA1):c.5194-1_5277+2del

Gene: BRCA1 (BRCA1 DNA repair associated; minus strand). Cytogenetic location: 17q21.31.
Variant type: Deletion.
Coding change: c.5194-1_5277+2del on transcript NM_007294.4 (MANE Select); the canonical splice acceptor site of the intron before coding-DNA position 5194 through the canonical splice donor site of the intron after coding-DNA position 5277, 87 bases deleted.
Molecular consequence: splice acceptor variant, splice donor variant.
Genome position (GRCh38, 1-based): chr17:43,057,050-43,057,136, 87 bases deleted. GRCh37 (hg19): chr17:41,209,067-41,209,153.
Other names: c.1882-1_1965+2del (NM_001407981.1, NM_007298.4, NM_001407986.1 and 12 more transcripts); c.1885-1_1968+2del (NM_001407978.1, NM_001407977.1, NM_001407976.1 and 3 more transcripts); c.5188-1_5271+2del (NM_001407639.1, NM_001407630.1, NM_001407633.1 and 14 more transcripts); c.5191-1_5274+2del (NM_001407859.1, NM_001407620.1, NM_001407623.1 and 17 more transcripts); c.5194-1_5277+2del (NM_001407597.1, NM_001407605.1, NM_001407684.1 and 7 more transcripts); c.5260-1_5343+2del (NM_001407582.1, NM_001407581.1); c.4978-1_5061+2del (NM_001407917.1, NM_001407918.1, NM_001407915.1 and 1 more transcripts); c.1741-1_1824+2del (NM_001408462.1, NM_001408458.1, NM_001408461.1 and 7 more transcripts); and 72 more.
Identifiers: ClinVar variation 1049576 (VCV001049576.2), dbSNP rs2153353204, ClinGen allele CA2499224366.

ClinVar aggregate classification (germline): Pathogenic. Review status: no assertion criteria provided (0 of 4 stars). 3 submissions from 1 submitter: Pathogenic (3).

Conditions:
Breast-ovarian cancer, familial, susceptibility to, 1 (BROVCA1). Also called: BRCA1 Hereditary Breast and Ovarian Cancer; OVARIAN CANCER, SUSCEPTIBILITY TO. Identifiers: Orphanet 145, MedGen C2676676, MONDO:0011450, OMIM 604370. Disease mechanism: loss of function.
Malignant tumor of breast. Also called: Malignant breast neoplasm; Cancer breast. Identifiers: MedGen C0006142, MONDO:0007254. Disease mechanism: loss of function.
Carcinoma of colon (CRC). Also called: Colonic carcinoma; Colon carcinoma. Identifiers: MedGen C0699790, MONDO:0002032.

Submissions (3):

Department of Pathology and Laboratory Medicine, Sinai Health System
Classification: Pathogenic for Breast-ovarian cancer, familial, susceptibility to, 1. Review status: no assertion criteria provided. Collection method: clinical testing. Allele origin: unknown. Affected: yes. Study: The Canadian Open Genetics Repository (COGR).
Comment: The BRCA1 c.5194-?_5277+?del variant (chr:17 g.41209069_41209152del GRCh37) results in a deletion of exon 20. The precise breakpoints of this deletion were not determined, nor were the effects of this variant on the resulting mRNA or protein product; however in a study of one family with familial breast cancer the exact breakpoints were characterized by sequencing as g.68764_75792del7029 (Vasickova_2007_17561994). The BRCA1 p.His1732_Lys1759del variant was identified in 4 of 2450 proband chromosomes (frequency: 0.002) from individuals or families with breast and ovarian cancer (Stavropoulou_2013_23536787, Bunyan_ 2004_15475941, Armaou_2007_17174087). The variant was also identified in ClinVar (2x as pathogenic by CIMBA and University of Innsbruck), Clinvitae (2x as pathogenic by ClinVar), UMD-LSDB (18x records, as 5-Causal) and BIC Database (2x). The variant was not identified in dbSNP, Cosmic, MutDB, LOVD 3.0, ARUP Laboratories and Zhejiang Colon Cancer databases. The variant was not identified in the following control databases: the 1000 Genomes Project, the NHLBI GO Exome Sequencing Project, the Exome Aggregation Consortium (August 8th 2016), or the Genome Aggregation Database (Feb 27, 2017). The c.5194-?_5277+?del in-frame deletion variant is predicted to cause a large deletion, which alters the protein's amino acid sequence deleting amino acids beginning at codon 1732 and ending at codon 1759. This alteration is then predicted to result in a truncated or absent protein and loss of function. Loss of function variants of the BRCA1 gene are an established mechanism of disease in hereditary breast and ovarian cancer and is the type of variant expected to cause the disorder. In summary, based on the above information, this variant meets our laboratoryâ€šÃ„Ã´s criteria to be classified as pathogenic.

Department of Pathology and Laboratory Medicine, Sinai Health System
Classification: Pathogenic for Malignant tumor of breast. Review status: no assertion criteria provided. Collection method: clinical testing. Allele origin: unknown. Affected: yes. Study: The Canadian Open Genetics Repository (COGR).
Comment: the same text as in the submission from Department of Pathology and Laboratory Medicine, Sinai Health System above.

Department of Pathology and Laboratory Medicine, Sinai Health System
Classification: Pathogenic for Carcinoma of colon. Review status: no assertion criteria provided. Collection method: clinical testing. Allele origin: unknown. Affected: yes. Study: The Canadian Open Genetics Repository (COGR).
Comment: the same text as in the submission from Department of Pathology and Laboratory Medicine, Sinai Health System above.